The following is an entry in ClinVar:

ClinVar aggregate classification (germline): Pathogenic (1 of 4 stars; one submission).

Submission:

ISCA site 17
Classification: Pathogenic. Last evaluated: 2011-08-12. Review status: criteria provided, single submitter. Criteria: Kaminsky et al. (Genet Med. 2011). Collection method: clinical testing. Allele origin: unknown. Affected: yes. Observed: 1 variant allele.
Comment: Copy number variation identified through the course of routine clinical cytogenomic testing in postnatal populations. Clinical assertions have been curated as described in Kaminsky et al. 2011.

GRCh38/hg38 1q21.1-21.2(chr1:146987841-148436925)x1

Genes: ACP6 (acid phosphatase 6, lysophosphatidic; minus strand), BCL9 (BCL9 transcription coactivator; plus strand), CHD1L (chromodomain helicase DNA binding protein 1 like; plus strand), FMO5 (flavin containing dimethylaniline monoxygenase 5; minus strand), GJA5 (gap junction protein alpha 5; minus strand) and 53 more. Cytogenetic location: 1q21.1-21.2.
Variant type: copy number loss.
Change: copy number 1 (one copy instead of two) of chr1:146,987,841-148,436,925 (1.45 Mb, GRCh38 coordinates, 1-based), cytogenetic band 1q21.1-21.2.
Identifiers: ClinVar variation 58504 (VCV000058504.1).